The following is an entry in ClinVar:

ClinVar aggregate classification (germline): Uncertain significance (1 of 4 stars; one submission).

Allele frequency attached by ClinVar (database versions not stated): TOPMed 0.00001.
gnomAD v4.1: 4 of 1,603,582 alleles (0.00025%); highest among the groups gnomAD compares: Non-Finnish European, 0.00034%; no homozygotes.

Submission:

Labcorp Genetics (formerly Invitae), Labcorp
Classification: Uncertain significance. Last evaluated: 2020-09-01. Review status: criteria provided, single submitter. Criteria: Invitae Variant Classification Sherloc (09022015). Collection method: clinical testing. Allele origin: germline.
Comment: This sequence change replaces phenylalanine with cysteine at codon 1093 of the OBSL1 protein (p.Phe1093Cys). The phenylalanine residue is weakly conserved and there is a large physicochemical difference between phenylalanine and cysteine. This variant is not present in population databases (ExAC no frequency). This variant has not been reported in the literature in individuals with OBSL1-related conditions. Algorithms developed to predict the effect of missense changes on protein structure and function (SIFT, PolyPhen-2, Align-GVGD) all suggest that this variant is likely to be tolerated, but these predictions have not been confirmed by published functional studies and their clinical significance is uncertain. In summary, the available evidence is currently insufficient to determine the role of this variant in disease. Therefore, it has been classified as a Variant of Uncertain Significance.

NM_015311.3(OBSL1):c.3278T>G (p.Phe1093Cys)

Gene: OBSL1 (obscurin like cytoskeletal adaptor 1; minus strand). Cytogenetic location: 2q35.
Variant type: single nucleotide variant.
Coding change: c.3278T>G on transcript NM_015311.3 (MANE Select); coding-DNA position 3278, T replaced by G.
Protein change: p.Phe1093Cys; replaces phenylalanine 1093 with cysteine.
Molecular consequence: missense variant.
Genome position (GRCh38, 1-based): chr2:219,558,408, A>C on the plus strand (T>G on the coding strand, the complement: OBSL1 is on the minus strand). VCF-style: chr2-219558408-A-C. GRCh37 (hg19) VCF-style: chr2-220423130-A-C.
Other names: c.3278T>G, p.Phe1093Cys (NM_001173431.2); short protein forms F1093C.
Identifiers: ClinVar variation 1040001 (VCV001040001.8), dbSNP rs754353021, ClinGen allele CA350737979.